The following is an entry in ClinVar:

ClinVar aggregate classification (germline): Uncertain significance (1 of 4 stars; one submission).

Conditions:
Frontotemporal dementia and/or amyotrophic lateral sclerosis 6 (FTDALS6). Also called: VCP-Related Amyotrophic Lateral Sclerosis/Frontotemporal Dementia; VCP-Related Amyotrophic Lateral Sclerosis. Identifiers: Orphanet 275872, Orphanet 803, MedGen C5436279, MONDO:0013501, OMIM 613954.
Inclusion body myopathy with Paget disease of bone and frontotemporal dementia. Also called: Inclusion body myopathy with early-onset Paget disease and frontotemporal dementia. Identifiers: Orphanet 52430, MedGen C1833662, MONDO:0000507.

Allele frequency attached by ClinVar (database versions not stated): gnomAD exomes below 0.00001 and 0.00001; ExAC 0.00001; gnomAD 0.00001; TOPMed 0.00001.
gnomAD v4.1: 7 of 1,614,046 alleles (0.00043%); highest among the groups gnomAD compares: South Asian, 0.0011%; no homozygotes.

Submission:

Labcorp Genetics (formerly Invitae), Labcorp
Classification: Uncertain significance for Inclusion body myopathy with Paget disease of bone and frontotemporal dementia; Frontotemporal dementia and/or amyotrophic lateral sclerosis 6. Last evaluated: 2021-11-22. Review status: criteria provided, single submitter. Criteria: Invitae Variant Classification Sherloc (09022015). Collection method: clinical testing. Allele origin: germline.
Comment: This sequence change replaces valine, which is neutral and non-polar, with methionine, which is neutral and non-polar, at codon 468 of the VCP protein (p.Val468Met). In summary, the available evidence is currently insufficient to determine the role of this variant in disease. Therefore, it has been classified as a Variant of Uncertain Significance. Advanced modeling of protein sequence and biophysical properties (such as structural, functional, and spatial information, amino acid conservation, physicochemical variation, residue mobility, and thermodynamic stability) performed at Invitae indicates that this missense variant is not expected to disrupt VCP protein function. This variant has not been reported in the literature in individuals affected with VCP-related conditions. This variant is present in population databases (rs779392075, gnomAD 0.003%).

NM_007126.5(VCP):c.1402G>A (p.Val468Met)

Gene: VCP (valosin containing protein; minus strand). Cytogenetic location: 9p13.3.
Variant type: single nucleotide variant.
Coding change: c.1402G>A on transcript NM_007126.5 (MANE Select); coding-DNA position 1402, G replaced by A.
Protein change: p.Val468Met; replaces valine 468 with methionine.
Molecular consequence: missense variant.
Genome position (GRCh38, 1-based): chr9:35,060,881, C>T on the plus strand (G>A on the coding strand, the complement: VCP is on the minus strand). VCF-style: chr9-35060881-C-T. GRCh37 (hg19) VCF-style: chr9-35060878-C-T.
Other names: c.1267G>A, p.Val423Met (NM_001354927.2, NM_001354928.2); short protein forms V468M, V423M.
Identifiers: ClinVar variation 1479926 (VCV001479926.6), dbSNP rs779392075, ClinGen allele CA5039256.